The following is an entry in ClinVar:

ClinVar aggregate classification (germline): Uncertain significance. Review status: criteria provided, multiple submitters, no conflicts (2 of 4 stars). 9 submissions from 9 submitters: Uncertain significance (8). 1 of the submissions does not count toward it. Last evaluated 2025-06-03.

Conditions:
Inborn genetic diseases. Identifiers: MedGen C0950123, MeSH D030342.
3M syndrome 2. Also called: 3-M Syndrome, OBSL1-Related; THREE M SYNDROME 2. Identifiers: Orphanet 2616, MedGen C2752041, MONDO:0013039, OMIM 612921.

Allele frequency attached by ClinVar (database versions not stated): gnomAD 0.00008 and 0.00009; TOPMed 0.00010; gnomAD exomes 0.00012 and 0.00015; ExAC 0.00017; ESP Exome Variant Server 0.00023.
gnomAD v4.1: 230 of 1,612,646 alleles (0.014%); highest among the groups gnomAD compares: Middle Eastern, 0.066%; no homozygotes.

Submissions (9):

Women's Health and Genetics/Laboratory Corporation of America, LabCorp
Classification: Uncertain significance. Last evaluated: 2025-06-03. Review status: criteria provided, single submitter. Criteria: LabCorp Variant Classification Summary - May 2015. Collection method: clinical testing. Allele origin: germline.
Comment: Variant summary: OBSL1 c.4133C>T (p.Thr1378Met) results in a non-conservative amino acid change in the encoded protein sequence. Algorithms developed to predict the effect of missense changes on protein structure and function are either unavailable or do not agree on the potential impact of this missense change. The variant allele was found at a frequency of 0.00012 in 248974 control chromosomes. This frequency is not significantly higher than estimated for a pathogenic variant in OBSL1 causing Three M Syndrome 2 (0.00012 vs 0.0011), allowing no conclusion about variant significance. To our knowledge, no occurrence of c.4133C>T in individuals affected with Three M Syndrome 2 and no experimental evidence demonstrating its impact on protein function have been reported. ClinVar contains an entry for this variant (Variation ID: 895776). Based on the evidence outlined above, the variant was classified as uncertain significance.

Ambry Genetics
Classification: Uncertain significance for Inborn genetic diseases. Last evaluated: 2024-12-03. Review status: criteria provided, single submitter. Criteria: Ambry Variant Classification Scheme 2023. Collection method: clinical testing. Allele origin: germline.

Blueprint Genetics
Classification: Uncertain significance. Last evaluated: 2024-11-05. Review status: criteria provided, single submitter. Criteria: ACMG Guidelines, 2015. Collection method: clinical testing. Allele origin: germline.

Revvity Omics, Revvity
Classification: Uncertain significance for 3M syndrome 2. Last evaluated: 2023-11-06. Review status: criteria provided, single submitter. Criteria: ACMG Guidelines, 2015. Collection method: clinical testing. Allele origin: germline.

CeGaT Center for Human Genetics Tuebingen
Classification: Uncertain significance. Last evaluated: 2023-09-01. Review status: criteria provided, single submitter. Criteria: CeGaT Center For Human Genetics Tuebingen Variant Classification Criteria Version 2. Collection method: clinical testing. Allele origin: germline. Affected: yes. Observed: 1 variant allele.
Comment: OBSL1: PM2, BP4

Labcorp Genetics (formerly Invitae), Labcorp
Classification: Uncertain significance. Last evaluated: 2022-10-10. Review status: criteria provided, single submitter. Criteria: Invitae Variant Classification Sherloc (09022015). Collection method: clinical testing. Allele origin: germline.
Comment: This sequence change replaces threonine, which is neutral and polar, with methionine, which is neutral and non-polar, at codon 1378 of the OBSL1 protein (p.Thr1378Met). This variant is present in population databases (rs200449388, gnomAD 0.02%). This variant has not been reported in the literature in individuals affected with OBSL1-related conditions. ClinVar contains an entry for this variant (Variation ID: 895776). Algorithms developed to predict the effect of missense changes on protein structure and function are either unavailable or do not agree on the potential impact of this missense change (SIFT: "Tolerated"; PolyPhen-2: "Probably Damaging"; Align-GVGD: "Class C0"). In summary, the available evidence is currently insufficient to determine the role of this variant in disease. Therefore, it has been classified as a Variant of Uncertain Significance.

Illumina Laboratory Services, Illumina
Classification: Uncertain significance for 3M syndrome 2. Last evaluated: 2018-03-02. Review status: criteria provided, single submitter. Criteria: ICSL Variant Classification Criteria 13 December 2019. Collection method: clinical testing. Allele origin: germline.

Breakthrough Genomics
Classification: Uncertain significance. Review status: criteria provided, single submitter. Criteria: ACMG Guidelines, 2015. Collection method: not provided. Allele origin: germline. Inheritance: Autosomal recessive inheritance. Affected: yes.

Department of Pathology and Laboratory Medicine, Sinai Health System
Classification: Uncertain significance. Review status: no assertion criteria provided. Collection method: clinical testing. Allele origin: unknown. Affected: yes. Study: The Canadian Open Genetics Repository (COGR). Not counted in ClinVar's aggregate classification.
Comment: The OBSL1 p.T1378M variant was not identified in the literature nor was it identified in ClinVar. The variant was identified in dbSNP (ID: rs200449388) and in control databases in 33 of 280344 chromosomes at a frequency of 0.0001177 (Genome Aggregation Database March 6, 2019, v2.1.1). The variant was observed in the following populations: Other in 2 of 7130 chromosomes (freq: 0.000281), European (non-Finnish) in 26 of 128220 chromosomes (freq: 0.000203), Latino in 4 of 35326 chromosomes (freq: 0.000113) and South Asian in 1 of 30588 chromosomes (freq: 0.000033), but was not observed in the African, Ashkenazi Jewish, East Asian, or European (Finnish) populations. The p.T1378 residue is conserved in mammals and computational analyses (PolyPhen-2, SIFT, MutationTaster, Revel, FATHMM, MetaLR, DANN) provide inconsistent predictions regarding the impact to the protein; this information is not very predictive of pathogenicity. The variant occurs outside of the splicing consensus sequence and in silico or computational prediction software programs (Splice AI exome) do not predict a difference in splicing. In summary, based on the above information the clinical significance of this variant cannot be determined with certainty at this time. This variant is classified as a variant of uncertain significance.

NM_015311.3(OBSL1):c.4133C>T (p.Thr1378Met)

Gene: OBSL1 (obscurin like cytoskeletal adaptor 1; minus strand). Cytogenetic location: 2q35.
Variant type: single nucleotide variant.
Coding change: c.4133C>T on transcript NM_015311.3 (MANE Select); coding-DNA position 4133, C replaced by T.
Protein change: p.Thr1378Met; replaces threonine 1378 with methionine.
Molecular consequence: missense variant.
Genome position (GRCh38, 1-based): chr2:219,556,657, G>A on the plus strand (C>T on the coding strand, the complement: OBSL1 is on the minus strand). VCF-style: chr2-219556657-G-A. GRCh37 (hg19) VCF-style: chr2-220421379-G-A.
Other names: c.4133C>T, p.Thr1378Met (NM_001173431.2); short protein forms T1378M.
Identifiers: ClinVar variation 895776 (VCV000895776.40), dbSNP rs200449388, ClinGen allele CA2130655.